The following is an entry in ClinVar:

NM_172107.4(KCNQ2):c.2005C>T (p.Pro669Ser)

Gene: KCNQ2 (potassium voltage-gated channel subfamily Q member 2; minus strand). Cytogenetic location: 20q13.33.
Variant type: single nucleotide variant.
Coding change: c.2005C>T on transcript NM_172107.4 (MANE Select); coding-DNA position 2005, C replaced by T.
Protein change: p.Pro669Ser; replaces proline 669 with serine.
Molecular consequence: missense variant.
Genome position (GRCh38, 1-based): chr20:63,407,258, G>A on the plus strand (C>T on the coding strand, the complement: KCNQ2 is on the minus strand). VCF-style: chr20-63407258-G-A. GRCh37 (hg19) VCF-style: chr20-62038611-G-A.
Other names: c.2059C>T, p.Pro687Ser (NM_001382235.1); c.1948C>T, p.Pro650Ser (NM_001439003.1); c.1918C>T, p.Pro640Ser (NM_001439004.1); c.1921C>T, p.Pro641Ser (NM_004518.6); c.1951C>T, p.Pro651Ser (NM_172106.3); c.1912C>T, p.Pro638Ser (NM_172108.5); short protein forms P638S, P640S, P641S, P650S, P651S, P669S, P687S.
Identifiers: ClinVar variation 4809413 (VCV004809413.1).

ClinVar aggregate classification (germline): Uncertain significance (1 of 4 stars; one submission).

Conditions:
Early-infantile DEE. Also called: Early infantile epileptic encephalopathy; Early infantile epileptic encephalopathy with suppression bursts; Ohtahara syndrome. Identifiers: Orphanet 1934, MedGen C0393706, MONDO:0800491.

Submission:

Labcorp Genetics (formerly Invitae), Labcorp
Classification: Uncertain significance for Early-infantile DEE. Last evaluated: 2025-03-19. Review status: criteria provided, single submitter. Criteria: Invitae Variant Classification Sherloc (09022015). Collection method: clinical testing. Allele origin: germline.
Comment: This sequence change replaces proline, which is neutral and non-polar, with serine, which is neutral and polar, at codon 669 of the KCNQ2 protein (p.Pro669Ser). This variant is not present in population databases (gnomAD no frequency). This variant has not been reported in the literature in individuals affected with KCNQ2-related conditions. Invitae Evidence Modeling of protein sequence and biophysical properties (such as structural, functional, and spatial information, amino acid conservation, physicochemical variation, residue mobility, and thermodynamic stability) indicates that this missense variant is expected to disrupt KCNQ2 protein function with a positive predictive value of 95%. In summary, the available evidence is currently insufficient to determine the role of this variant in disease. Therefore, it has been classified as a Variant of Uncertain Significance.